The following is an entry in ClinVar:

ClinVar aggregate classification (germline): Uncertain significance. Review status: criteria provided, multiple submitters, no conflicts (2 of 4 stars). 2 submissions from 2 submitters: Uncertain significance (2). Last evaluated 2025-07-28.

Conditions:
Familial hemophagocytic lymphohistiocytosis 5. Also called: STXBP2-Related Familial Hemophagocytic Lymphohistiocytosis (STXBP2-fHLH). Identifiers: Orphanet 540, MedGen C2751293, MONDO:0013135, OMIM 613101.

Allele frequency attached by ClinVar (database versions not stated): ExAC 0.00001; gnomAD 0.00001; gnomAD exomes 0.00001.
gnomAD v4.1: 13 of 1,613,612 alleles (0.00081%); highest among the groups gnomAD compares: South Asian, 0.014%; no homozygotes.

Submissions (2):

Labcorp Genetics (formerly Invitae), Labcorp
Classification: Uncertain significance for Familial hemophagocytic lymphohistiocytosis 5. Last evaluated: 2025-07-28. Review status: criteria provided, single submitter. Criteria: Invitae Variant Classification Sherloc (09022015). Collection method: clinical testing. Allele origin: germline.
Comment: This sequence change replaces leucine, which is neutral and non-polar, with phenylalanine, which is neutral and non-polar, at codon 409 of the STXBP2 protein (p.Leu409Phe). This variant is present in population databases (rs763024326, gnomAD 0.006%). This variant has not been reported in the literature in individuals affected with STXBP2-related conditions. ClinVar contains an entry for this variant (Variation ID: 1675137). Invitae Evidence Modeling of protein sequence and biophysical properties (such as structural, functional, and spatial information, amino acid conservation, physicochemical variation, residue mobility, and thermodynamic stability) indicates that this missense variant is expected to disrupt STXBP2 protein function with a positive predictive value of 95%. In summary, the available evidence is currently insufficient to determine the role of this variant in disease. Therefore, it has been classified as a Variant of Uncertain Significance.

Center for Genomics, Ann and Robert H. Lurie Children's Hospital of Chicago
Classification: Uncertain significance for Familial hemophagocytic lymphohistiocytosis 5. Last evaluated: 2021-07-26. Review status: criteria provided, single submitter. Criteria: ACMG Guidelines, 2015. Collection method: clinical testing. Allele origin: germline.
Comment: STXBP2 NM_006949.3 exon 14 p.Leu409Phe (c.1225C>T): This variant has not been reported in the literature but is present in 0.02% (1/4834) of South Asian alleles in the Genome Aggregation Database. Evolutionary conservation suggests that this variant may impact the protein; computational predictive tools for this variant are unclear. In summary, data on this variant is insufficient for disease classification. Therefore, the clinical significance of this variant is uncertain.

NM_006949.4(STXBP2):c.1225C>T (p.Leu409Phe)

Gene: STXBP2 (syntaxin binding protein 2; plus strand). Cytogenetic location: 19p13.2.
Variant type: single nucleotide variant.
Coding change: c.1225C>T on transcript NM_006949.4 (MANE Select); coding-DNA position 1225, C replaced by T.
Protein change: p.Leu409Phe; replaces leucine 409 with phenylalanine.
Molecular consequence: missense variant. On other transcripts: non-coding transcript variant (1).
Genome position (GRCh38, 1-based): chr19:7,644,731, C>T. VCF-style: chr19-7644731-C-T. GRCh37 (hg19) VCF-style: chr19-7709617-C-T.
Other names: c.1216C>T, p.Leu406Phe (NM_001127396.3); c.1258C>T, p.Leu420Phe (NM_001272034.2); short protein forms L406F, L409F, L420F.
Identifiers: ClinVar variation 1675137 (VCV001675137.5), dbSNP rs763024326, ClinGen allele CA9144032.
Genomic context (GRCh38, chr19:7,644,731, plus strand): 5'-ATCGTTCCGGTGCTGCTGGACGCGGCGGTGCCCGCCTACGACAAGATCCGGGTCCTGCTG[C>T]TCTACATCCTCCTTCGGAATGGTGGGTGGGGGCTGCAGGGAGTTGGAACGTCCCCATTTG-3'
Protein context (NP_008880.2, residues 399-419): PAYDKIRVLL[Leu409Phe]YILLRNGVSE